The following is an entry in ClinVar:

ClinVar aggregate classification (germline): Uncertain significance. Review status: criteria provided, multiple submitters, no conflicts (2 of 4 stars). 3 submissions from 3 submitters: Uncertain significance (3). Last evaluated 2025-02-16.

Allele frequency attached by ClinVar (database versions not stated): TOPMed below 0.00001; gnomAD exomes 0.00001.
gnomAD v4.1: 8 of 1,596,134 alleles (0.0005%); highest among the groups gnomAD compares: Admixed American, 0.012%; no homozygotes.

Submissions (3):

Labcorp Genetics (formerly Invitae), Labcorp
Classification: Uncertain significance. Last evaluated: 2025-02-16. Review status: criteria provided, single submitter. Criteria: Invitae Variant Classification Sherloc (09022015). Collection method: clinical testing. Allele origin: germline.
Comment: This sequence change falls in intron 36 of the MYH14 gene. It does not directly change the encoded amino acid sequence of the MYH14 protein. It affects a nucleotide within the consensus splice site. This variant is present in population databases (no rsID available, gnomAD 0.01%). This variant has not been reported in the literature in individuals affected with MYH14-related conditions. ClinVar contains an entry for this variant (Variation ID: 228879). Variants that disrupt the consensus splice site are a relatively common cause of aberrant splicing (PMID: 17576681, 9536098). Algorithms developed to predict the effect of sequence changes on RNA splicing suggest that this variant is not likely to affect RNA splicing. In summary, the available evidence is currently insufficient to determine the role of this variant in disease. Therefore, it has been classified as a Variant of Uncertain Significance.

GeneDx
Classification: Uncertain significance. Last evaluated: 2024-09-05. Review status: criteria provided, single submitter. Criteria: GeneDx Variant Classification Process June 2021. Collection method: clinical testing. Allele origin: germline. Affected: yes.
Comment: In silico analysis indicates that this variant does not alter splicing; Has not been previously published as pathogenic or benign to our knowledge

Laboratory for Molecular Medicine, Mass General Brigham Personalized Medicine
Classification: Uncertain significance. Last evaluated: 2015-07-30. Review status: criteria provided, single submitter. Criteria: LMM Criteria. Collection method: clinical testing. Allele origin: germline. Observed: 1 variant allele.
Comment: The c.5345+6T>C variant in MYH14 has not been previously reported in individuals with hearing loss. Data from large population studies are insufficient to asse ss the frequency of this variant. Computational tools do not suggest an impact t o splicing. However, this information is not predictive enough to rule out patho genicity. In summary, the clinical significance of the c.5345+6T>C variant is un certain.

Literature cited by the submitters: PubMed 17576681 (cited by Labcorp Genetics (formerly Invitae), Labcorp); PubMed 9536098 (cited by Labcorp Genetics (formerly Invitae), Labcorp).

NM_001145809.2(MYH14):c.5345+6T>C

Gene: MYH14 (myosin heavy chain 14; plus strand). Cytogenetic location: 19q13.33.
Variant type: single nucleotide variant.
Coding change: c.5345+6T>C on transcript NM_001145809.2 (MANE Select); 6 bases into the intron after coding-DNA position 5345, T replaced by C.
Molecular consequence: intron variant.
Genome position (GRCh38, 1-based): chr19:50,293,327, T>C. VCF-style: chr19-50293327-T-C. GRCh37 (hg19) VCF-style: chr19-50796584-T-C.
Other names: c.5246+6T>C (NM_001077186.2); c.5222+6T>C (NM_024729.4).
Identifiers: ClinVar variation 228879 (VCV000228879.10), dbSNP rs876657874, ClinGen allele CA10577111.